The following is an entry in ClinVar:

ClinVar aggregate classification (germline): Uncertain significance (1 of 4 stars; one submission).

gnomAD v4.1: 3 of 1,614,204 alleles (0.00019%); highest among the groups gnomAD compares: African/African-American, 0.0013%; no homozygotes.

Submission:

Labcorp Genetics (formerly Invitae), Labcorp
Classification: Uncertain significance. Last evaluated: 2026-01-01. Review status: criteria provided, single submitter. Criteria: Invitae Variant Classification Sherloc (09022015). Collection method: clinical testing. Allele origin: germline.
Comment: This sequence change falls in intron 54 of the COL17A1 gene. It does not directly change the encoded amino acid sequence of the COL17A1 protein. It affects a nucleotide within the consensus splice site. This variant is not present in population databases (gnomAD no frequency). This variant has not been reported in the literature in individuals affected with COL17A1-related conditions. Variants that disrupt the consensus splice site are a relatively common cause of aberrant splicing (PMID: 17576681, 9536098). Algorithms developed to predict the effect of sequence changes on RNA splicing suggest that this variant is not likely to affect RNA splicing. In summary, the available evidence is currently insufficient to determine the role of this variant in disease. Therefore, it has been classified as a Variant of Uncertain Significance.

Literature cited by the submitters: PubMed 17576681; PubMed 9536098.

NM_000494.4(COL17A1):c.4357+5G>C

Gene: COL17A1 (collagen type XVII alpha 1 chain; minus strand). Cytogenetic location: 10q25.1.
Variant type: single nucleotide variant.
Coding change: c.4357+5G>C on transcript NM_000494.4 (MANE Select); 5 bases into the intron after coding-DNA position 4357, G replaced by C.
Molecular consequence: intron variant.
Genome position (GRCh38, 1-based): chr10:104,032,901, C>G on the plus strand (G>C on the coding strand, the complement: COL17A1 is on the minus strand). VCF-style: chr10-104032901-C-G. GRCh37 (hg19) VCF-style: chr10-105792659-C-G.
Identifiers: ClinVar variation 4709071 (VCV004709071.1).